The following is an entry in ClinVar:

ClinVar aggregate classification (germline): Likely benign (1 of 4 stars; one submission).

Conditions:
PLXNA1-related disorder. Also called: PLXNA1-related condition.

Submission:

PreventionGenetics, part of Exact Sciences
Classification: Likely benign for PLXNA1-related condition. Last evaluated: 2025-10-22. Review status: criteria provided, single submitter. Criteria: ACMG Guidelines, 2015. Collection method: clinical testing. Allele origin: germline.
Comment: This variant is classified as likely benign based on ACMG/AMP sequence variant interpretation guidelines (Richards et al. 2015 PMID: 25741868, with internal and published modifications).

NM_032242.4(PLXNA1):c.5061+9G>C

Gene: PLXNA1 (plexin A1; plus strand). Cytogenetic location: 3q21.3.
Variant type: single nucleotide variant.
Coding change: c.5061+9G>C on transcript NM_032242.4 (MANE Select); 9 bases into the intron after coding-DNA position 5061, G replaced by C.
Molecular consequence: intron variant.
Genome position (GRCh38, 1-based): chr3:127,030,073, G>C. VCF-style: chr3-127030073-G-C. GRCh37 (hg19) VCF-style: chr3-126748916-G-C.
Identifiers: ClinVar variation 4992647 (VCV004992647.1).